The following is an entry in ClinVar:

ClinVar aggregate classification (germline): Uncertain significance. Review status: criteria provided, multiple submitters, no conflicts (2 of 4 stars). 2 submissions from 2 submitters: Uncertain significance (2). Last evaluated 2024-07-02.

Conditions:
Early-infantile DEE. Also called: Ohtahara syndrome; Early infantile epileptic encephalopathy; Early infantile epileptic encephalopathy with suppression bursts. Identifiers: Orphanet 1934, MedGen C0393706, MONDO:0800491.

Allele frequency attached by ClinVar (database versions not stated): gnomAD exomes 0.00001; TOPMed 0.00001; gnomAD 0.00001.
gnomAD v4.1: 9 of 1,614,050 alleles (0.00056%); highest among the groups gnomAD compares: East Asian, 0.0022%; no homozygotes.

Submissions (2):

Labcorp Genetics (formerly Invitae), Labcorp
Classification: Uncertain significance for Early-infantile DEE. Last evaluated: 2024-07-02. Review status: criteria provided, single submitter. Criteria: Invitae Variant Classification Sherloc (09022015). Collection method: clinical testing. Allele origin: germline.
Comment: This sequence change replaces asparagine, which is neutral and polar, with serine, which is neutral and polar, at codon 569 of the SCN1A protein (p.Asn569Ser). This variant is present in population databases (rs796052978, gnomAD 0.006%). This variant has not been reported in the literature in individuals affected with SCN1A-related conditions. ClinVar contains an entry for this variant (Variation ID: 206772). Advanced modeling of protein sequence and biophysical properties (such as structural, functional, and spatial information, amino acid conservation, physicochemical variation, residue mobility, and thermodynamic stability) performed at Invitae indicates that this missense variant is not expected to disrupt SCN1A protein function with a negative predictive value of 95%. In summary, the available evidence is currently insufficient to determine the role of this variant in disease. Therefore, it has been classified as a Variant of Uncertain Significance.

GeneDx
Classification: Uncertain significance. Last evaluated: 2021-06-18. Review status: criteria provided, single submitter. Criteria: GeneDx Variant Classification Process June 2021. Collection method: clinical testing. Allele origin: germline. Affected: yes.
Comment: Missense variants in this gene are often considered pathogenic (Stenson et al., 2014); In silico analysis supports that this missense variant does not alter protein structure/function; Has not been previously published as pathogenic or benign to our knowledge; This variant is associated with the following publications: (PMID: 27535533, 24077912)

NM_001165963.4(SCN1A):c.1706A>G (p.Asn569Ser)

Gene: SCN1A (sodium voltage-gated channel alpha subunit 1; minus strand). Cytogenetic location: 2q24.3.
Variant type: single nucleotide variant.
Coding change: c.1706A>G on transcript NM_001165963.4 (MANE Select); coding-DNA position 1706, A replaced by G.
Protein change: p.Asn569Ser; replaces asparagine 569 with serine.
Molecular consequence: missense variant. On other transcripts: 5 prime UTR variant (1), non-coding transcript variant (1).
Genome position (GRCh38, 1-based): chr2:166,044,006, T>C on the plus strand (A>G on the coding strand, the complement: SCN1A is on the minus strand). VCF-style: chr2-166044006-T-C. GRCh37 (hg19) VCF-style: chr2-166900516-T-C.
Other names: p.N569S:AAT>AGT; c.1706A>G, p.Asn569Ser (NM_001165964.3, NM_001202435.3, NM_001353948.2 and 7 more transcripts); c.1703A>G, p.Asn568Ser (NM_001353954.2, NM_001353955.2, NM_001353960.2); c.-720A>G (NM_001353961.2); short protein forms N569S, N568S.
Identifiers: ClinVar variation 206772 (VCV000206772.5), dbSNP rs796052978, ClinGen allele CA317253.